The following is an entry in ClinVar:

NM_002850.4(PTPRS):c.3095G>A (p.Arg1032Gln)

Gene: PTPRS (protein tyrosine phosphatase receptor type S; minus strand). Cytogenetic location: 19p13.3.
Variant type: single nucleotide variant.
Coding change: c.3095G>A on transcript NM_002850.4 (MANE Select); coding-DNA position 3095, G replaced by A.
Protein change: p.Arg1032Gln; replaces arginine 1032 with glutamine.
Molecular consequence: missense variant. On other transcripts: intron variant (2).
Genome position (GRCh38, 1-based): chr19:5,222,697, C>T on the plus strand (G>A on the coding strand, the complement: PTPRS is on the minus strand). VCF-style: chr19-5222697-C-T. GRCh37 (hg19) VCF-style: chr19-5222708-C-T.
Other names: c.3029G>A, p.Arg1010Gln (NM_130854.3); c.1811-477G>A (NM_130853.3); c.1823-477G>A (NM_130855.3); short protein forms R1010Q, R1032Q.
Identifiers: ClinVar variation 736477 (VCV000736477.6), dbSNP rs370399999, ClinGen allele CA9109722.

ClinVar aggregate classification (germline): Likely benign. Review status: criteria provided, single submitter (1 of 4 stars). 2 submissions from 2 submitters: Likely benign (1). 1 of the submissions does not count toward it. Last evaluated 2019-12-31.

Conditions:
PTPRS-related disorder. Also called: PTPRS-related condition.

Allele frequency attached by ClinVar (database versions not stated): gnomAD 0.00014 and 0.00017; TOPMed 0.00022; 1000 Genomes Project 30x 0.00047; 1000 Genomes Project 0.00060; gnomAD exomes 0.00060; ExAC 0.00137.
gnomAD v4.1: 374 of 1,585,736 alleles (0.024%); highest among the groups gnomAD compares: East Asian, 0.097%; 5 homozygotes.

Submissions (2):

Labcorp Genetics (formerly Invitae), Labcorp
Classification: Likely benign. Last evaluated: 2019-12-31. Review status: criteria provided, single submitter. Criteria: Invitae Variant Classification Sherloc (09022015). Collection method: clinical testing. Allele origin: germline.

PreventionGenetics, part of Exact Sciences
Classification: Likely benign for PTPRS-related condition. Last evaluated: 2023-07-22. Review status: no assertion criteria provided. Collection method: clinical testing. Allele origin: germline. Not counted in ClinVar's aggregate classification.
Comment: This variant is classified as likely benign based on ACMG/AMP sequence variant interpretation guidelines (Richards et al. 2015 PMID: 25741868, with internal and published modifications).